The following is an entry in ClinVar:

ClinVar aggregate classification (germline): Uncertain significance (1 of 4 stars; one submission).

Conditions:
Hypertrophic cardiomyopathy. Also called: HYPERTROPHIC MYOCARDIOPATHY. Identifiers: Orphanet 217569, MedGen C0007194, MeSH D002312, MONDO:0005045, HP:0001639.

Allele frequency attached by ClinVar (database versions not stated): gnomAD exomes below 0.00001.
gnomAD v4.1: 1 of 1,611,836 alleles (0.000062%); no homozygotes.

Submission:

Labcorp Genetics (formerly Invitae), Labcorp
Classification: Uncertain significance for Hypertrophic cardiomyopathy. Last evaluated: 2025-06-12. Review status: criteria provided, single submitter. Criteria: Invitae Variant Classification Sherloc (09022015). Collection method: clinical testing. Allele origin: germline.
Comment: This sequence change replaces lysine, which is basic and polar, with arginine, which is basic and polar, at codon 1403 of the MYOM1 protein (p.Lys1403Arg). This variant is not present in population databases (gnomAD no frequency). This variant has not been reported in the literature in individuals affected with MYOM1-related conditions. ClinVar contains an entry for this variant (Variation ID: 2996719). Invitae Evidence Modeling of protein sequence and biophysical properties (such as structural, functional, and spatial information, amino acid conservation, physicochemical variation, residue mobility, and thermodynamic stability) indicates that this missense variant is not expected to disrupt MYOM1 protein function with a negative predictive value of 80%. In summary, the available evidence is currently insufficient to determine the role of this variant in disease. Therefore, it has been classified as a Variant of Uncertain Significance.

NM_003803.4(MYOM1):c.4208A>G (p.Lys1403Arg)

Gene: MYOM1 (myomesin 1; minus strand). Cytogenetic location: 18p11.31.
Variant type: single nucleotide variant.
Coding change: c.4208A>G on transcript NM_003803.4 (MANE Select); coding-DNA position 4208, A replaced by G.
Protein change: p.Lys1403Arg; replaces lysine 1403 with arginine.
Molecular consequence: missense variant.
Genome position (GRCh38, 1-based): chr18:3,086,081, T>C on the plus strand (A>G on the coding strand, the complement: MYOM1 is on the minus strand). VCF-style: chr18-3086081-T-C. GRCh37 (hg19) VCF-style: chr18-3086079-T-C.
Other names: c.3920A>G, p.Lys1307Arg (NM_019856.2); short protein forms K1307R, K1403R.
Identifiers: ClinVar variation 2996719 (VCV002996719.3), dbSNP rs2510495286, ClinGen allele CA401710912.